The following is an entry in ClinVar:

ClinVar aggregate classification (germline): Pathogenic (1 of 4 stars; one submission).

Conditions:
Neurofibromatosis, type 2 (SWNV). Also called: SCHWANNOMATOSIS, VESTIBULAR; BILATERAL ACOUSTIC NEUROFIBROMATOSIS; NF2-Related Schwannomatosis. Identifiers: Orphanet 637, MedGen C0027832, MONDO:0007039, OMIM 101000. Disease mechanism: loss of function.

Submission:

Labcorp Genetics (formerly Invitae), Labcorp
Classification: Pathogenic for Neurofibromatosis, type 2. Last evaluated: 2025-07-14. Review status: criteria provided, single submitter. Criteria: Invitae Variant Classification Sherloc (09022015). Collection method: clinical testing. Allele origin: germline.
Comment: This sequence change creates a premature translational stop signal (p.Glu522Lysfs*27) in the NF2 gene. It is expected to result in an absent or disrupted protein product. Loss-of-function variants in NF2 are known to be pathogenic (PMID: 9643284, 16983642). This variant is not present in population databases (gnomAD no frequency). This variant has not been reported in the literature in individuals affected with NF2-related conditions. ClinVar contains an entry for this variant (Variation ID: 2138434). For these reasons, this variant has been classified as Pathogenic.

Literature cited by the submitters: PubMed 9643284; PubMed 16983642.

NM_000268.4(NF2):c.1564_1567del (p.Glu522fs)

Gene: NF2 (NF2, moesin-ezrin-radixin like (MERLIN) tumor suppressor; plus strand). Cytogenetic location: 22q12.2.
Variant type: Deletion.
Coding change: c.1564_1567del on transcript NM_000268.4 (MANE Select); coding-DNA positions 1564 to 1567, 4 bases deleted (GAGA; older notation c.1564_1567delGAGA).
Protein change: p.Glu522fs; shifts the reading frame from glutamic acid 522.
Molecular consequence: frameshift variant. On other transcripts: non-coding transcript variant (1), intron variant (1).
Genome position (GRCh38, 1-based): chr22:29,678,313-29,678,316, GAGA deleted; deleting any 4 consecutive bases within chr22:29,678,312-29,678,316 gives the same sequence; the c. name uses the placement nearest the transcript's 3' end. VCF-style (leftmost placement, unchanged base first): chr22-29678311-TAGAG-T. GRCh37 (hg19) VCF-style: chr22-30074300-TAGAG-T.
Other names: c.1450_1453delGAGA, p.Glu484Lysfs (NM_001407053.1, NM_001407056.1); c.1441_1444delGAGA, p.Glu481Lysfs (NM_001407054.1, NM_001407058.1); c.1438_1441delGAGA, p.Glu480Lysfs (NM_001407055.1); c.1429_1432delGAGA, p.Glu477Lysfs (NM_001407057.1, NM_001407059.1); c.1564_1567delGAGA, p.Glu522Lysfs (NM_001407060.1, NM_001407066.1); c.1306_1309delGAGA, p.Glu436Lysfs (NM_001407062.1); c.1315_1318delGAGA, p.Glu439Lysfs (NM_001407063.1, NM_001407064.1); c.1030_1033delGAGA, p.Glu344Lysfs (NM_001407065.1); and 6 more; short protein forms E439fs, E481fs, E480fs, E522fs.
Identifiers: ClinVar variation 2138434 (VCV002138434.4), dbSNP rs2518713830, ClinGen allele CA1139532171.